The following is an entry in ClinVar:

ClinVar aggregate classification (germline): Uncertain significance (1 of 4 stars; one submission).

Conditions:
CBL-related disorder. Also called: NOONAN SYNDROME-LIKE DISORDER WITHOUT JUVENILE MYELOMONOCYTIC LEUKEMIA; CBL MUTATION-ASSOCIATED SYNDROME; CBL SYNDROME. Identifiers: Orphanet 363972, MedGen C3150803, MONDO:0013308, OMIM 613563.

Submission:

PreventionGenetics, part of Exact Sciences
Classification: Uncertain significance for CBL-related condition. Last evaluated: 2026-06-29. Review status: criteria provided, single submitter. Criteria: ACMG Guidelines, 2015. Collection method: clinical testing. Allele origin: germline.
Comment: The CBL c.407G>A variant is predicted to result in the amino acid substitution p.Gly136Glu. To our knowledge, this variant has not been reported in the literature or in a large population database (gnomAD), indicating this variant is rare. At this time, the clinical significance of this variant is uncertain due to the absence of conclusive functional and genetic evidence.

NM_005188.4(CBL):c.407G>A (p.Gly136Glu)

Gene: CBL (Cbl proto-oncogene; plus strand). Cytogenetic location: 11q23.3.
Variant type: single nucleotide variant.
Coding change: c.407G>A on transcript NM_005188.4 (MANE Select); coding-DNA position 407, G replaced by A.
Protein change: p.Gly136Glu; replaces glycine 136 with glutamic acid.
Molecular consequence: missense variant.
Genome position (GRCh38, 1-based): chr11:119,232,659, G>A. VCF-style: chr11-119232659-G-A. GRCh37 (hg19) VCF-style: chr11-119103369-G-A.
Other names: short protein forms G136E.
Identifiers: ClinVar variation 4991828 (VCV004991828.1).